The following is an entry in ClinVar:

NM_030787.4(CFHR5):c.394C>A (p.Arg132=)

Gene: CFHR5 (complement factor H related 5; plus strand). Cytogenetic location: 1q31.3.
Variant type: single nucleotide variant.
Coding change: c.394C>A on transcript NM_030787.4 (MANE Select); coding-DNA position 394, C replaced by A.
Protein change: p.Arg132=; no amino-acid change (arginine 132 retained).
Molecular consequence: synonymous variant.
Genome position (GRCh38, 1-based): chr1:196,984,101, C>A. VCF-style: chr1-196984101-C-A. GRCh37 (hg19) VCF-style: chr1-196953231-C-A.
Identifiers: ClinVar variation 2639698 (VCV002639698.24), dbSNP rs758371568, ClinGen allele CA422667578.

ClinVar aggregate classification (germline): Likely benign (1 of 4 stars; one submission).

gnomAD v4.1: 9 of 1,613,530 alleles (0.00056%); highest among the groups gnomAD compares: African/African-American, 0.004%; no homozygotes.

Submission:

CeGaT Center for Human Genetics Tuebingen
Classification: Likely benign. Last evaluated: 2022-10-01. Review status: criteria provided, single submitter. Criteria: CeGaT Center For Human Genetics Tuebingen Variant Classification Criteria Version 2. Collection method: clinical testing. Allele origin: germline. Affected: yes. Observed: 1 variant allele.
Comment: CFHR5: BP4, BP7